The following is an entry in ClinVar:

NM_032930.3(CFAP300):c.168C>T (p.Ser56=)

Gene: CFAP300 (cilia and flagella associated protein 300; plus strand). Cytogenetic location: 11q22.1.
Variant type: single nucleotide variant.
Coding change: c.168C>T on transcript NM_032930.3 (MANE Select); coding-DNA position 168, C replaced by T.
Protein change: p.Ser56=; no amino-acid change (serine 56 retained).
Molecular consequence: synonymous variant.
Genome position (GRCh38, 1-based): chr11:102,047,872, C>T. VCF-style: chr11-102047872-C-T. GRCh37 (hg19) VCF-style: chr11-101918603-C-T.
Other names: p.Ser56=; c.168C>T (NM_032930.2); c.168C>T, p.Ser56= (NM_001195005.2, NM_001363505.2).
Identifiers: ClinVar variation 1681449 (VCV001681449.12), dbSNP rs73593065, ClinGen allele CA6245911.

ClinVar aggregate classification (germline): Benign. Review status: criteria provided, multiple submitters, no conflicts (2 of 4 stars). 4 submissions from 4 submitters: Benign (3). 1 of the submissions does not count toward it. Last evaluated 2026-02-01.

Conditions:
CFAP300-related disorder. Also called: CFAP300-related condition.

Allele frequency attached by ClinVar (database versions not stated): gnomAD exomes 0.00218; ExAC 0.00275; gnomAD 0.00830 and 0.00883; 1000 Genomes Project 0.00879; TOPMed 0.00935; 1000 Genomes Project 30x 0.00953; ESP Exome Variant Server 0.01061.
gnomAD v4.1: 2,426 of 1,614,200 alleles (0.15%); highest among the groups gnomAD compares: African/African-American, 2.8%; 39 homozygotes.

Submissions (4):

Labcorp Genetics (formerly Invitae), Labcorp
Classification: Benign. Last evaluated: 2026-02-01. Review status: criteria provided, single submitter. Criteria: Invitae Variant Classification Sherloc (09022015). Collection method: clinical testing. Allele origin: germline.

Mayo Clinic Laboratories, Mayo Clinic
Classification: Benign. Last evaluated: 2025-03-06. Review status: criteria provided, single submitter. Criteria: ACMG Guidelines, 2015. Collection method: clinical testing. Allele origin: germline. Observed: 1 variant allele.
Comment: BS1, BS2, BP4, BP7

Breakthrough Genomics
Classification: Benign. Review status: criteria provided, single submitter. Criteria: ACMG Guidelines, 2015. Collection method: not provided. Allele origin: germline. Inheritance: Autosomal recessive inheritance. Affected: yes.

PreventionGenetics, part of Exact Sciences
Classification: Benign for CFAP300-related condition. Last evaluated: 2019-09-25. Review status: no assertion criteria provided. Collection method: clinical testing. Allele origin: germline. Not counted in ClinVar's aggregate classification.
Comment: This variant is classified as benign based on ACMG/AMP sequence variant interpretation guidelines (Richards et al. 2015 PMID: 25741868, with internal and published modifications).